The following is an entry in ClinVar:

ClinVar aggregate classification (germline): Likely benign (1 of 4 stars; one submission).

Submission:

CeGaT Center for Human Genetics Tuebingen
Classification: Likely benign. Last evaluated: 2026-04-01. Review status: criteria provided, single submitter. Criteria: CeGaT Center For Human Genetics Tuebingen Variant Classification Criteria Version 2. Collection method: clinical testing. Allele origin: germline. Affected: yes. Observed: 1 variant allele.
Comment: CTSH: BP4, BS1

NM_004390.5(CTSH):c.300+7A>G

Gene: CTSH (cathepsin H; minus strand). Cytogenetic location: 15q25.1.
Variant type: single nucleotide variant.
Coding change: c.300+7A>G on transcript NM_004390.5 (MANE Select); 7 bases into the intron after coding-DNA position 300, A replaced by G.
Molecular consequence: intron variant.
Genome position (GRCh38, 1-based): chr15:78,935,673, T>C on the plus strand (A>G on the coding strand, the complement: CTSH is on the minus strand). VCF-style: chr15-78935673-T-C. GRCh37 (hg19) VCF-style: chr15-79228015-T-C.
Other names: c.-638+7A>G (NM_001319137.2); c.186+7A>G (NM_001411095.1).
Identifiers: ClinVar variation 4872099 (VCV004872099.2).